The following is an entry in ClinVar:

ClinVar aggregate classification (germline): Uncertain significance. Review status: criteria provided, multiple submitters, no conflicts (2 of 4 stars). 2 submissions from 2 submitters: Uncertain significance (2). Last evaluated 2025-11-10.

Conditions:
Hereditary cancer-predisposing syndrome. Also called: Neoplastic Syndromes, Hereditary; Tumor predisposition; Hereditary Cancer Syndrome; Hereditary neoplastic syndrome. Identifiers: Orphanet 140162, MedGen C0027672, MeSH D009386, MONDO:0015356.

Allele frequency attached by ClinVar (database versions not stated): TOPMed below 0.00001; gnomAD 0.00001.
gnomAD v4.1: 1 of 1,610,876 alleles (0.000062%); highest among the groups gnomAD compares: Non-Finnish European, 0.000085%; no homozygotes.

Submissions (2):

Ambry Genetics
Classification: Uncertain significance for Hereditary cancer-predisposing syndrome. Last evaluated: 2025-11-10. Review status: criteria provided, single submitter. Criteria: Ambry Variant Classification Scheme 2023. Collection method: clinical testing. Allele origin: germline.
Comment: The p.E247K variant (also known as c.739G>A), located in coding exon 5 of the RAD50 gene, results from a G to A substitution at nucleotide position 739. The glutamic acid at codon 247 is replaced by lysine, an amino acid with similar properties. This amino acid position is not well conserved in available vertebrate species. In addition, this alteration is predicted to be tolerated by in silico analysis. Since supporting evidence is limited at this time, the clinical significance of this alteration remains unclear.

Labcorp Genetics (formerly Invitae), Labcorp
Classification: Uncertain significance for Hereditary cancer-predisposing syndrome. Last evaluated: 2023-06-27. Review status: criteria provided, single submitter. Criteria: Invitae Variant Classification Sherloc (09022015). Collection method: clinical testing. Allele origin: germline.
Comment: In summary, the available evidence is currently insufficient to determine the role of this variant in disease. Therefore, it has been classified as a Variant of Uncertain Significance. Advanced modeling of protein sequence and biophysical properties (such as structural, functional, and spatial information, amino acid conservation, physicochemical variation, residue mobility, and thermodynamic stability) performed at Invitae indicates that this missense variant is not expected to disrupt RAD50 protein function. ClinVar contains an entry for this variant (Variation ID: 457487). This variant has not been reported in the literature in individuals affected with RAD50-related conditions. This variant is not present in population databases (gnomAD no frequency). This sequence change replaces glutamic acid, which is acidic and polar, with lysine, which is basic and polar, at codon 247 of the RAD50 protein (p.Glu247Lys).

NM_005732.4(RAD50):c.739G>A (p.Glu247Lys)

Gene: RAD50 (RAD50 double strand break repair protein; plus strand). Cytogenetic location: 5q31.1.
Variant type: single nucleotide variant.
Coding change: c.739G>A on transcript NM_005732.4 (MANE Select); coding-DNA position 739, G replaced by A.
Protein change: p.Glu247Lys; replaces glutamic acid 247 with lysine.
Molecular consequence: missense variant.
Genome position (GRCh38, 1-based): chr5:132,580,049, G>A. VCF-style: chr5-132580049-G-A. GRCh37 (hg19) VCF-style: chr5-131915741-G-A.
Other names: short protein forms E247K.
Identifiers: ClinVar variation 457487 (VCV000457487.15), dbSNP rs1554097831, ClinGen allele CA360937324.